The following is an entry in ClinVar:

ClinVar aggregate classification (germline): Uncertain significance (1 of 4 stars; one submission).

gnomAD v4.1: 34 of 1,610,258 alleles (0.0021%); highest among the groups gnomAD compares: Admixed American, 0.045%; no homozygotes.

Submission:

Ambry Genetics
Classification: Uncertain significance. Last evaluated: 2025-12-16. Review status: criteria provided, single submitter. Criteria: Ambry Variant Classification Scheme 2023. Collection method: clinical testing. Allele origin: germline.
Comment: The c.749A>G (p.D250G) alteration is located in exon 3 (coding exon 2) of the KIF24 gene. This alteration results from a A to G substitution at nucleotide position 749, causing the aspartic acid (D) at amino acid position 250 to be replaced by a glycine (G). Based on data from gnomAD, the G allele has an overall frequency of 0.004% (10/248904) total alleles studied. The highest observed frequency was 0.026% (9/34428) of Latino alleles. Based on insufficient or conflicting evidence, the clinical significance of this alteration remains unclear.

NM_194313.4(KIF24):c.749A>G (p.Asp250Gly)

Gene: KIF24 (kinesin family member 24; minus strand). Cytogenetic location: 9p13.3.
Variant type: single nucleotide variant.
Coding change: c.749A>G on transcript NM_194313.4 (MANE Select); coding-DNA position 749, A replaced by G.
Protein change: p.Asp250Gly; replaces aspartic acid 250 with glycine.
Molecular consequence: missense variant.
Genome position (GRCh38, 1-based): chr9:34,306,316, T>C on the plus strand (A>G on the coding strand, the complement: KIF24 is on the minus strand). VCF-style: chr9-34306316-T-C. GRCh37 (hg19) VCF-style: chr9-34306314-T-C.
Other names: short protein forms D250G.
Identifiers: ClinVar variation 4828089 (VCV004828089.1).